The following is an entry in ClinVar:

ClinVar aggregate classification (germline): Pathogenic (1 of 4 stars; one submission).

Conditions:
Hereditary cancer-predisposing syndrome. Also called: Neoplastic Syndromes, Hereditary; Hereditary Cancer Syndrome; Tumor predisposition; Hereditary neoplastic syndrome. Identifiers: Orphanet 140162, MedGen C0027672, MeSH D009386, MONDO:0015356.

Submission:

Ambry Genetics
Classification: Pathogenic for Hereditary cancer-predisposing syndrome. Last evaluated: 2025-01-16. Review status: criteria provided, single submitter. Criteria: Ambry Variant Classification Scheme 2023. Collection method: clinical testing. Allele origin: germline.
Comment: The c.616_617dupAA pathogenic mutation, located in coding exon 5 of the ATM gene, results from a duplication of AA at nucleotide position 616, causing a translational frameshift with a predicted alternate stop codon (p.N206Kfs*25). This variant is considered to be rare based on population cohorts in the Genome Aggregation Database (gnomAD). This alteration is expected to result in loss of function by premature protein truncation or nonsense-mediated mRNA decay. As such, this alteration is interpreted as a disease-causing mutation.

NM_000051.4(ATM):c.616_617dup (p.Asn206fs)

Gene: ATM (ATM serine/threonine kinase; plus strand). Cytogenetic location: 11q22.3.
Variant type: Duplication.
Coding change: c.616_617dup on transcript NM_000051.4 (MANE Select); coding-DNA positions 616 to 617, 2 bases duplicated (AA; older notation c.616_617dupAA).
Protein change: p.Asn206fs; shifts the reading frame from asparagine 206.
Molecular consequence: frameshift variant.
Genome position (GRCh38, 1-based): chr11:108,244,072-108,244,073, AA duplicated; duplicating any 2 consecutive bases within chr11:108,244,071-108,244,073 gives the same sequence; the c. name uses the placement nearest the transcript's 3' end. VCF-style (leftmost placement, unchanged base first): chr11-108244070-T-TAA. GRCh37 (hg19) VCF-style: chr11-108114797-T-TAA.
Other names: c.616_617dup, p.Asn206fs (NM_001351834.2); c.616_617dupAA (NM_000051.3); short protein forms N206fs.
Identifiers: ClinVar variation 3801691 (VCV003801691.1).
Genomic context (GRCh38, chr11:108,244,070, plus strand): 5'-TTTTAGTGGCTAGAATAATTCATGCTGTTACCAAAGGATGCTGTTCTCAGACTGACGGAT[T>TAA]AAATTCCAAATTTTTGGACTTTTTTTCCAAGGCTATTCAGTGTGCGAGGTAATCTAATCT-3'